The following is an entry in ClinVar:

ClinVar aggregate classification (germline): Uncertain significance (1 of 4 stars; one submission).

Submission:

Labcorp Genetics (formerly Invitae), Labcorp
Classification: Uncertain significance. Last evaluated: 2021-06-17. Review status: criteria provided, single submitter. Criteria: Invitae Variant Classification Sherloc (09022015). Collection method: clinical testing. Allele origin: germline.
Comment: In summary, the available evidence is currently insufficient to determine the role of this variant in disease. Therefore, it has been classified as a Variant of Uncertain Significance. Nucleotide substitutions within the consensus splice site are a relatively common cause of aberrant splicing (PMID: 17576681, 9536098). Algorithms developed to predict the effect of sequence changes on RNA splicing suggest that this variant may disrupt the consensus splice site, but this prediction has not been confirmed by published transcriptional studies. This variant has not been reported in the literature in individuals with KIDINS220-related conditions. This variant is not present in population databases (ExAC no frequency). This sequence change affects a splice site in intron 29 of the KIDINS220 gene. While this variant is not anticipated to result in nonsense mediated decay, it likely alters RNA splicing and results in a disrupted protein product.

Literature cited by the submitters: PubMed 17576681; PubMed 9536098.

NM_020738.4(KIDINS220):c.4054-2del

Gene: KIDINS220 (kinase D interacting substrate 220; minus strand). Cytogenetic location: 2p25.1.
Variant type: Deletion.
Coding change: c.4054-2del on transcript NM_020738.4 (MANE Select); the canonical splice acceptor site of the intron before coding-DNA position 4054, one base deleted (A; older notation c.4054-2delA).
Molecular consequence: splice acceptor variant. On other transcripts: intron variant (6).
Genome position (GRCh38, 1-based): chr2:8,731,984, T deleted on the plus strand (A on the coding strand, the reverse complement: KIDINS220 is on the minus strand). VCF-style (leftmost placement, unchanged base first): chr2-8731983-CT-C. GRCh37 (hg19) VCF-style: chr2-8872113-CT-C.
Other names: c.3882+1460del (NM_001348741.2, NM_001348742.2, NM_001348743.2); c.3996+1460del (NM_001348738.2); c.3885+1460del (NM_001348739.2, NM_001348740.2); c.3883-2del (NM_001348735.2); c.3997-2del (NM_001348732.2); c.3886-2del (NM_001348734.2); c.4000-2del (NM_001348731.2); c.4057-2del (NM_001348729.2); and 1 more.
Identifiers: ClinVar variation 1433917 (VCV001433917.8), dbSNP rs2147947360, ClinGen allele CA2573135704.